The following is an entry in ClinVar:

NM_001042492.3(NF1):c.4249G>T (p.Ala1417Ser)

Gene: NF1 (neurofibromin 1; plus strand). Cytogenetic location: 17q11.2.
Variant type: single nucleotide variant.
Coding change: c.4249G>T on transcript NM_001042492.3 (MANE Select); coding-DNA position 4249, G replaced by T.
Protein change: p.Ala1417Ser; replaces alanine 1417 with serine.
Molecular consequence: missense variant.
Genome position (GRCh38, 1-based): chr17:31,258,419, G>T. VCF-style: chr17-31258419-G-T. GRCh37 (hg19) VCF-style: chr17-29585437-G-T.
Other names: c.4186G>T, p.Ala1396Ser (NM_000267.4); short protein forms A1396S, A1417S.
Identifiers: ClinVar variation 141692 (VCV000141692.10), dbSNP rs587781941, ClinGen allele CA166146.

ClinVar aggregate classification (germline): Uncertain significance. Review status: criteria provided, multiple submitters, no conflicts (2 of 4 stars). 4 submissions from 3 submitters: Uncertain significance (4). Last evaluated 2023-07-21.

Conditions:
Hereditary cancer-predisposing syndrome. Also called: Neoplastic Syndromes, Hereditary; Hereditary Cancer Syndrome; Hereditary neoplastic syndrome; Tumor predisposition. Identifiers: Orphanet 140162, MedGen C0027672, MeSH D009386, MONDO:0015356.
Cardiovascular phenotype. Identifiers: MedGen CN230736.
Neurofibromatosis, type 1 (NF1). Also called: VON RECKLINGHAUSEN DISEASE; Neurofibromatosis, type I; NEUROFIBROMATOSIS, TYPE I, SOMATIC; Peripheral type neurofibromatosis. Identifiers: Orphanet 636, MedGen C0027831, MONDO:0018975, OMIM 162200. Disease mechanism: loss of function.

gnomAD v4.1: 1 of 1,613,884 alleles (0.000062%); highest among the groups gnomAD compares: Non-Finnish European, 0.000085%; no homozygotes.

Submissions (4):

Labcorp Genetics (formerly Invitae), Labcorp
Classification: Uncertain significance for Neurofibromatosis, type 1. Last evaluated: 2023-07-21. Review status: criteria provided, single submitter. Criteria: Invitae Variant Classification Sherloc (09022015). Collection method: clinical testing. Allele origin: germline.
Comment: This variant is not present in population databases (gnomAD no frequency). This sequence change replaces alanine, which is neutral and non-polar, with serine, which is neutral and polar, at codon 1396 of the NF1 protein (p.Ala1396Ser). This variant has not been reported in the literature in individuals affected with NF1-related conditions. ClinVar contains an entry for this variant (Variation ID: 141692). Advanced modeling of protein sequence and biophysical properties (such as structural, functional, and spatial information, amino acid conservation, physicochemical variation, residue mobility, and thermodynamic stability) performed at Invitae indicates that this missense variant is expected to disrupt NF1 protein function. In summary, the available evidence is currently insufficient to determine the role of this variant in disease. Therefore, it has been classified as a Variant of Uncertain Significance.

Ambry Genetics
Classification: Uncertain significance for Cardiovascular phenotype; Hereditary cancer-predisposing syndrome. Last evaluated: 2022-04-05. Review status: criteria provided, single submitter. Criteria: Ambry Variant Classification Scheme 2023. Collection method: clinical testing. Allele origin: germline.

Genome-Nilou Lab
Classification: Uncertain significance for Neurofibromatosis, type 1. Last evaluated: 2022-03-15. Review status: criteria provided, single submitter. Criteria: ACMG Guidelines, 2015. Collection method: clinical testing. Allele origin: germline. Affected: no.

Ambry Genetics
Classification: Uncertain significance for Hereditary cancer-predisposing syndrome. Last evaluated: 2015-02-11. Review status: criteria provided, single submitter. Criteria: Ambry Autosomal Dominant and X-Linked criteria (10/2015). Collection method: clinical testing. Allele origin: germline. Observed: 1 variant allele.
Comment: Ã¢â‚¬â€¹The p.A1417S variant (also known as c.4249G>T), located in coding exon 32 of the NF1 gene, results from a G to T substitution at nucleotide position 4249. The alanine at codon 1417 is replaced by serine, an amino acid with similar properties. This variant was not reported in population based cohorts in the following databases: Database of Single Nucleotide Polymorphisms (dbSNP), NHLBI Exome Sequencing Project (ESP), and 1000 Genomes Project. To date, this alteration has been detected with an allele frequency of approximately 0.007% (greater than 30,000 alleles tested) in our clinical cohort. This amino acid position is highly conserved in available vertebrate species. In addition, this alteration is predicted to be possibly damaging and deleterious by PolyPhen and SIFT in silico analyses, respectively. Since supporting evidence is limited at this time, the clinical significance of p.A1417S remains unclear.